The following is an entry in ClinVar:

NM_001079802.2(FKTN):c.625C>T (p.Arg209Cys)

Gene: FKTN (fukutin; plus strand). Cytogenetic location: 9q31.2.
Variant type: single nucleotide variant.
Coding change: c.625C>T on transcript NM_001079802.2 (MANE Select); coding-DNA position 625, C replaced by T.
Protein change: p.Arg209Cys; replaces arginine 209 with cysteine.
Molecular consequence: missense variant. On other transcripts: non-coding transcript variant (2).
Genome position (GRCh38, 1-based): chr9:105,604,470, C>T. VCF-style: chr9-105604470-C-T. GRCh37 (hg19) VCF-style: chr9-108366751-C-T.
Other names: c.625C>T, p.Arg209Cys (NM_001198963.2, NM_001351496.2, NM_001351498.2 and 1 more transcripts); c.556C>T, p.Arg186Cys (NM_001351497.2); c.229C>T, p.Arg77Cys (NM_001351499.2, NM_001351500.2, NM_001351501.2 and 1 more transcripts); short protein forms R209C, R77C, R186C.
Identifiers: ClinVar variation 264093 (VCV000264093.16), dbSNP rs749576551, ClinGen allele CA5170448.
Genomic context (GRCh38, chr9:105,604,470, plus strand): 5'-TTGAGACTTAAAGAACACATTGACAGGAAATTTGTTCCCTTCCGAAAGTTACAGTTTGGT[C>T]GTTATCCAGGAGCTTTTGACAGGTAAGTTCAGAGTCAAAACGTGAAATGTGAAATGAGTG-3'
Protein context (NP_001073270.1, residues 199-219): FVPFRKLQFG[Arg209Cys]YPGAFDRPEL

ClinVar aggregate classification (germline): Uncertain significance. Review status: criteria provided, multiple submitters, no conflicts (2 of 4 stars). 4 submissions from 4 submitters: Uncertain significance (3). 1 of the submissions does not count toward it. Last evaluated 2022-08-05.

Conditions:
Cardiovascular phenotype. Identifiers: MedGen CN230736.
Walker-Warburg congenital muscular dystrophy. Also called: Muscular dystrophy-dystroglycanopathy, type A; Walker-Warburg syndrome. Identifiers: Orphanet 899, MedGen C0265221, MONDO:0000171.

Allele frequency attached by ClinVar (database versions not stated): gnomAD below 0.00001 and 0.00001; TOPMed 0.00001; ExAC 0.00003; gnomAD exomes 0.00003.

Submissions (4):

Labcorp Genetics (formerly Invitae), Labcorp
Classification: Uncertain significance for Walker-Warburg congenital muscular dystrophy. Last evaluated: 2022-08-05. Review status: criteria provided, single submitter. Criteria: Invitae Variant Classification Sherloc (09022015). Collection method: clinical testing. Allele origin: germline.
Comment: This sequence change replaces arginine, which is basic and polar, with cysteine, which is neutral and slightly polar, at codon 209 of the FKTN protein (p.Arg209Cys). This variant is present in population databases (rs749576551, gnomAD 0.01%). This variant has not been reported in the literature in individuals affected with FKTN-related conditions. ClinVar contains an entry for this variant (Variation ID: 264093). Algorithms developed to predict the effect of missense changes on protein structure and function are either unavailable or do not agree on the potential impact of this missense change (SIFT: "Deleterious"; PolyPhen-2: "Benign"; Align-GVGD: "Class C25"). In summary, the available evidence is currently insufficient to determine the role of this variant in disease. Therefore, it has been classified as a Variant of Uncertain Significance.

Blueprint Genetics
Classification: Uncertain significance. Last evaluated: 2021-02-16. Review status: criteria provided, single submitter. Criteria: ACMG Guidelines, 2015. Collection method: clinical testing. Allele origin: germline.

Ambry Genetics
Classification: Uncertain significance for Cardiovascular phenotype. Last evaluated: 2015-06-21. Review status: criteria provided, single submitter. Criteria: Ambry Variant Classification Scheme 2023. Collection method: clinical testing. Allele origin: germline.
Comment: The p.R209C variant (also known as c.625C>T), located in coding exon 4 of the FKTN gene, results from a C to T substitution at nucleotide position 625. The arginine at codon 209 is replaced by cysteine, an amino acid with highly dissimilar properties. This variant was not reported in population based cohorts in the following databases: Database of Single Nucleotide Polymorphisms (dbSNP), NHLBI Exome Sequencing Project (ESP), and 1000 Genomes Project. In the ESP, this variant was not observed in 6503 samples (13006 alleles) with coverage at this position. This amino acid position is not well conserved in available vertebrate species. In addition, this alteration is predicted to be benign by PolyPhen yet deleterious by SIFT in silico analyses. Since supporting evidence is limited at this time, the clinical significance of this variant remains unclear.

Natera, Inc.
Classification: Uncertain significance for Walker-Warburg congenital muscular dystrophy. Last evaluated: 2019-10-28. Review status: no assertion criteria provided. Collection method: clinical testing. Allele origin: germline. Not counted in ClinVar's aggregate classification.